The following is an entry in ClinVar:

NM_003640.5(ELP1):c.342del (p.Val114_Met115insTer)

Gene: ELP1 (elongator acetyltransferase complex subunit 1; minus strand). Cytogenetic location: 9q31.3.
Variant type: Deletion.
Coding change: c.342del on transcript NM_003640.5 (MANE Select); coding-DNA position 342, one base deleted (T; older notation c.342delT).
Protein change: p.Val114_Met115insTer.
Molecular consequence: frameshift variant. On other transcripts: 5 prime UTR variant (2).
Genome position (GRCh38, 1-based): chr9:108,927,415, A deleted on the plus strand (T on the coding strand, the reverse complement: ELP1 is on the minus strand); the first of 2 consecutive A bases (chr9:108,927,415-108,927,416); deleting either gives the same sequence. VCF-style (leftmost placement, unchanged base first): chr9-108927414-TA-T. GRCh37 (hg19) VCF-style: chr9-111689694-TA-T.
Other names: c.-1del (NM_001318360.2); c.-518del (NM_001330749.2).
Identifiers: ClinVar variation 4815227 (VCV004815227.1).
Genomic context (GRCh38, chr9:108,927,414, plus strand): 5'-CACCAGTAACAAGCTTACCTGTGGCAAGAAGCACCAGCTCTTGGTCAGGACTCCAACTCA[TA>T]ACAGAGATACCACTGGCTACACTCCCAACACACTCCAGCTGAGACAGAGAAAATTGAAAA-3'

ClinVar aggregate classification (germline): Likely pathogenic (1 of 4 stars; one submission).

Conditions:
Familial dysautonomia. Also called: HSAN III; FD. Identifiers: Orphanet 1764, MedGen C0013364, MONDO:0009131, OMIM 223900. Disease mechanism: loss of function.

Submission:

Natera, Inc.
Classification: Likely pathogenic for Familial dysautonomia. Last evaluated: 2024-09-26. Review status: criteria provided, single submitter. Criteria: Natera Variant Classification Schema (03/2026). Collection method: clinical testing. Allele origin: germline.
Comment: The c.342del variant in ELP1 is a frameshift variant predicted to shift the reading frame and introduce a stop codon. This variant is expected to result in nonsense mediated decay, truncation, or a dysfunctional protein product. This variant is rare in the general population with a frequency below the threshold expected for the associated phenotype(s). Given the available evidence, this variant is classified as Likely Pathogenic.